The following is an entry in ClinVar:

NM_000051.4(ATM):c.4261G>A (p.Ala1421Thr)

Gene: ATM (ATM serine/threonine kinase; plus strand). Cytogenetic location: 11q22.3.
Variant type: single nucleotide variant.
Coding change: c.4261G>A on transcript NM_000051.4 (MANE Select); coding-DNA position 4261, G replaced by A.
Protein change: p.Ala1421Thr; replaces alanine 1421 with threonine.
Molecular consequence: missense variant.
Genome position (GRCh38, 1-based): chr11:108,289,626, G>A. VCF-style: chr11-108289626-G-A. GRCh37 (hg19) VCF-style: chr11-108160353-G-A.
Other names: c.4261G>A, p.Ala1421Thr (NM_001351834.2); short protein forms A1421T.
Identifiers: ClinVar variation 489547 (VCV000489547.13), dbSNP rs1555097395, ClinGen allele CA382531155.

ClinVar aggregate classification (germline): Uncertain significance. Review status: criteria provided, multiple submitters, no conflicts (2 of 4 stars). 2 submissions from 2 submitters: Uncertain significance (2). Last evaluated 2020-05-20.

Conditions:
Hereditary cancer-predisposing syndrome. Also called: Tumor predisposition; Neoplastic Syndromes, Hereditary; Hereditary Cancer Syndrome; Hereditary neoplastic syndrome. Identifiers: Orphanet 140162, MedGen C0027672, MeSH D009386, MONDO:0015356.
Ataxia-telangiectasia syndrome (AT). Also called: Ataxia-telangiectasia; Ataxia-telangiectasia, complementation group D; AT, COMPLEMENTATION GROUP C; LOUIS-BAR SYNDROME; Cerebello-oculocutaneous telangiectasia; Immunodeficiency with ataxia telangiectasia. Identifiers: Orphanet 100, MedGen C0004135, MONDO:0008840, OMIM 208900.

Submissions (2):

Labcorp Genetics (formerly Invitae), Labcorp
Classification: Uncertain significance for Ataxia-telangiectasia syndrome. Last evaluated: 2020-05-20. Review status: criteria provided, single submitter. Criteria: Invitae Variant Classification Sherloc (09022015). Collection method: clinical testing. Allele origin: germline.
Comment: In summary, the available evidence is currently insufficient to determine the role of this variant in disease. Therefore, it has been classified as a Variant of Uncertain Significance. Algorithms developed to predict the effect of missense changes on protein structure and function are either unavailable or do not agree on the potential impact of this missense change (SIFT: "Tolerated"; PolyPhen-2: "Possibly Damaging"; Align-GVGD: "Class C0"). This variant has been observed in individual(s) with prostate cancer (PMID: 29368341). ClinVar contains an entry for this variant (Variation ID: 489547). This variant is not present in population databases (ExAC no frequency). This sequence change replaces alanine with threonine at codon 1421 of the ATM protein (p.Ala1421Thr). The alanine residue is highly conserved and there is a small physicochemical difference between alanine and threonine.

Color Diagnostics, LLC DBA Color Health
Classification: Uncertain significance for Hereditary cancer-predisposing syndrome. Last evaluated: 2019-03-06. Review status: criteria provided, single submitter. Criteria: ACMG Guidelines, 2015. Collection method: clinical testing. Allele origin: germline.

Literature cited by the submitters: PubMed 29368341 (cited by Labcorp Genetics (formerly Invitae), Labcorp).